The following is an entry in ClinVar:

NM_018109.4(MTPAP):c.478C>T (p.Arg160Trp)

Gene: MTPAP (mitochondrial poly(A) polymerase; minus strand). Cytogenetic location: 10p11.23.
Variant type: single nucleotide variant.
Coding change: c.478C>T on transcript NM_018109.4 (MANE Select); coding-DNA position 478, C replaced by T.
Protein change: p.Arg160Trp; replaces arginine 160 with tryptophan.
Molecular consequence: missense variant.
Genome position (GRCh38, 1-based): chr10:30,340,303, G>A on the plus strand (C>T on the coding strand, the complement: MTPAP is on the minus strand). VCF-style: chr10-30340303-G-A. GRCh37 (hg19) VCF-style: chr10-30629232-G-A.
Other names: c.478C>T (NM_018109.3); short protein forms R160W.
Identifiers: ClinVar variation 2067489 (VCV002067489.2), dbSNP rs752583398, ClinGen allele CA205284218.

ClinVar aggregate classification (germline): Uncertain significance. Review status: criteria provided, multiple submitters, no conflicts (2 of 4 stars). 2 submissions from 2 submitters: Uncertain significance (2). Last evaluated 2024-08-04.

Conditions:
Inborn genetic diseases. Identifiers: MedGen C0950123, MeSH D030342.

gnomAD v4.1: 34 of 1,613,984 alleles (0.0021%); highest among the groups gnomAD compares: Admixed American, 0.0067%; no homozygotes.

Submissions (2):

Ambry Genetics
Classification: Uncertain significance for Inborn genetic diseases. Last evaluated: 2024-08-04. Review status: criteria provided, single submitter. Criteria: Ambry Variant Classification Scheme 2023. Collection method: clinical testing. Allele origin: germline.

Labcorp Genetics (formerly Invitae), Labcorp
Classification: Uncertain significance. Last evaluated: 2022-07-20. Review status: criteria provided, single submitter. Criteria: Invitae Variant Classification Sherloc (09022015). Collection method: clinical testing. Allele origin: germline.
Comment: This sequence change replaces arginine, which is basic and polar, with tryptophan, which is neutral and slightly polar, at codon 160 of the MTPAP protein (p.Arg160Trp). This variant is present in population databases (rs752583398, gnomAD 0.006%). This variant has not been reported in the literature in individuals affected with MTPAP-related conditions. Algorithms developed to predict the effect of missense changes on protein structure and function are either unavailable or do not agree on the potential impact of this missense change (SIFT: "Deleterious"; PolyPhen-2: "Possibly Damaging"; Align-GVGD: "Class C0"). In summary, the available evidence is currently insufficient to determine the role of this variant in disease. Therefore, it has been classified as a Variant of Uncertain Significance.